The following is an entry in ClinVar:

ClinVar aggregate classification (germline): Uncertain significance (1 of 4 stars; one submission).

Conditions:
Severe combined immunodeficiency due to DNA-PKcs deficiency. Also called: IMMUNODEFICIENCY 26 WITH NEUROLOGIC ABNORMALITIES; Immunodeficiency 26 with or without neurologic abnormalities. Identifiers: Orphanet 317425, MedGen C4014833, MONDO:0014423, OMIM 615966.

Allele frequency attached by ClinVar (database versions not stated): gnomAD exomes below 0.00001; TOPMed below 0.00001.
gnomAD v4.1: 2 of 1,612,308 alleles (0.00012%); highest among the groups gnomAD compares: South Asian, 0.0011%; no homozygotes.

Submission:

Labcorp Genetics (formerly Invitae), Labcorp
Classification: Uncertain significance for Severe combined immunodeficiency due to DNA-PKcs deficiency. Last evaluated: 2022-07-19. Review status: criteria provided, single submitter. Criteria: Invitae Variant Classification Sherloc (09022015). Collection method: clinical testing. Allele origin: germline.
Comment: In summary, the available evidence is currently insufficient to determine the role of this variant in disease. Therefore, it has been classified as a Variant of Uncertain Significance. Experimental studies and prediction algorithms are not available or were not evaluated, and the functional significance of this variant is currently unknown. ClinVar contains an entry for this variant (Variation ID: 1414049). This variant has not been reported in the literature in individuals affected with PRKDC-related conditions. This variant is not present in population databases (gnomAD no frequency). This sequence change replaces glutamic acid, which is acidic and polar, with lysine, which is basic and polar, at codon 3394 of the PRKDC protein (p.Glu3394Lys).

NM_006904.7(PRKDC):c.10180G>A (p.Glu3394Lys)

Gene: PRKDC (protein kinase, DNA-activated, catalytic subunit; minus strand). Cytogenetic location: 8q11.21.
Variant type: single nucleotide variant.
Coding change: c.10180G>A on transcript NM_006904.7 (MANE Select); coding-DNA position 10180, G replaced by A.
Protein change: p.Glu3394Lys; replaces glutamic acid 3394 with lysine.
Molecular consequence: missense variant.
Genome position (GRCh38, 1-based): chr8:47,799,327, C>T on the plus strand (G>A on the coding strand, the complement: PRKDC is on the minus strand). VCF-style: chr8-47799327-C-T. GRCh37 (hg19) VCF-style: chr8-48711888-C-T.
Other names: c.10180G>A, p.Glu3394Lys (NM_001081640.2); short protein forms E3394K.
Identifiers: ClinVar variation 1414049 (VCV001414049.5), dbSNP rs1362532368, ClinGen allele CA371135386.